The following is an entry in ClinVar:

NM_001256007.3(PNPLA8):c.308G>A (p.Arg103His)

Gene: PNPLA8 (patatin like domain 8, phospholipase A2; minus strand). Cytogenetic location: 7q31.1.
Variant type: single nucleotide variant.
Coding change: c.308G>A on transcript NM_001256007.3 (MANE Select); coding-DNA position 308, G replaced by A.
Protein change: p.Arg103His; replaces arginine 103 with histidine.
Molecular consequence: missense variant.
Genome position (GRCh38, 1-based): chr7:108,515,184, C>T on the plus strand (G>A on the coding strand, the complement: PNPLA8 is on the minus strand). VCF-style: chr7-108515184-C-T. GRCh37 (hg19) VCF-style: chr7-108155628-C-T.
Other names: c.308G>A, p.Arg103His (NM_001256008.3, NM_001256009.3, NM_015723.5); c.8G>A, p.Arg3His (NM_001256010.3, NM_001256011.3); c.308G>A (NM_015723.2); short protein forms R3H, R103H.
Identifiers: ClinVar variation 2188646 (VCV002188646.4), dbSNP rs201353226, ClinGen allele CA4439847.

ClinVar aggregate classification (germline): Uncertain significance. Review status: criteria provided, multiple submitters, no conflicts (2 of 4 stars). 2 submissions from 2 submitters: Uncertain significance (2). Last evaluated 2024-10-20.

Conditions:
Inborn genetic diseases. Identifiers: MedGen C0950123, MeSH D030342.

Allele frequency attached by ClinVar (database versions not stated): gnomAD 0.00004; ESP Exome Variant Server 0.00008; TOPMed 0.00011.
gnomAD v4.1: 50 of 1,605,826 alleles (0.0031%); highest among the groups gnomAD compares: Admixed American, 0.027%; no homozygotes.

Submissions (2):

Ambry Genetics
Classification: Uncertain significance for Inborn genetic diseases. Last evaluated: 2024-10-20. Review status: criteria provided, single submitter. Criteria: Ambry Variant Classification Scheme 2023. Collection method: clinical testing. Allele origin: germline.

Labcorp Genetics (formerly Invitae), Labcorp
Classification: Uncertain significance. Last evaluated: 2023-01-23. Review status: criteria provided, single submitter. Criteria: Invitae Variant Classification Sherloc (09022015). Collection method: clinical testing. Allele origin: germline.
Comment: In summary, the available evidence is currently insufficient to determine the role of this variant in disease. Therefore, it has been classified as a Variant of Uncertain Significance. Algorithms developed to predict the effect of missense changes on protein structure and function are either unavailable or do not agree on the potential impact of this missense change (SIFT: "Deleterious"; PolyPhen-2: "Benign"; Align-GVGD: "Class C0"). This variant has not been reported in the literature in individuals affected with PNPLA8-related conditions. This variant is present in population databases (rs201353226, gnomAD 0.03%). This sequence change replaces arginine, which is basic and polar, with histidine, which is basic and polar, at codon 103 of the PNPLA8 protein (p.Arg103His).